The following is an entry in ClinVar:

NM_000426.4(LAMA2):c.5536G>C (p.Ala1846Pro)

Gene: LAMA2 (laminin subunit alpha 2; plus strand). Cytogenetic location: 6q22.33.
Variant type: single nucleotide variant.
Coding change: c.5536G>C on transcript NM_000426.4 (MANE Select); coding-DNA position 5536, G replaced by C.
Protein change: p.Ala1846Pro; replaces alanine 1846 with proline.
Molecular consequence: missense variant.
Genome position (GRCh38, 1-based): chr6:129,401,314, G>C. VCF-style: chr6-129401314-G-C. GRCh37 (hg19) VCF-style: chr6-129722459-G-C.
Other names: c.5536G>C, p.Ala1846Pro (NM_001079823.2); short protein forms A1846P.
Identifiers: ClinVar variation 1972473 (VCV001972473.5), dbSNP rs764965268, ClinGen allele CA365615436.

ClinVar aggregate classification (germline): Uncertain significance (1 of 4 stars; one submission).

Conditions:
LAMA2-related muscular dystrophy (LAMA2-RD). Also called: Laminin alpha 2-related dystrophy. Identifiers: MedGen C5679788, MONDO:0100228.

Submission:

Labcorp Genetics (formerly Invitae), Labcorp
Classification: Uncertain significance for LAMA2-related muscular dystrophy. Last evaluated: 2021-12-09. Review status: criteria provided, single submitter. Criteria: Invitae Variant Classification Sherloc (09022015). Collection method: clinical testing. Allele origin: germline.
Comment: In summary, the available evidence is currently insufficient to determine the role of this variant in disease. Therefore, it has been classified as a Variant of Uncertain Significance. Advanced modeling of protein sequence and biophysical properties (such as structural, functional, and spatial information, amino acid conservation, physicochemical variation, residue mobility, and thermodynamic stability) performed at Invitae indicates that this missense variant is not expected to disrupt LAMA2 protein function. This variant has not been reported in the literature in individuals affected with LAMA2-related conditions. This variant is not present in population databases (gnomAD no frequency). This sequence change replaces alanine, which is neutral and non-polar, with proline, which is neutral and non-polar, at codon 1846 of the LAMA2 protein (p.Ala1846Pro).